The following is an entry in ClinVar:

ClinVar aggregate classification (germline): Uncertain significance (1 of 4 stars; one submission).

Allele frequency attached by ClinVar (database versions not stated): gnomAD 0.00001; ExAC 0.00002; TOPMed 0.00002; ESP Exome Variant Server 0.00015.
gnomAD v4.1: 17 of 1,612,982 alleles (0.0011%); highest among the groups gnomAD compares: South Asian, 0.0033%; no homozygotes.

Submission:

Labcorp Genetics (formerly Invitae), Labcorp
Classification: Uncertain significance. Last evaluated: 2022-07-29. Review status: criteria provided, single submitter. Criteria: Invitae Variant Classification Sherloc (09022015). Collection method: clinical testing. Allele origin: germline.
Comment: In summary, the available evidence is currently insufficient to determine the role of this variant in disease. Therefore, it has been classified as a Variant of Uncertain Significance. This sequence change replaces glycine, which is neutral and non-polar, with arginine, which is basic and polar, at codon 1188 of the IMPG2 protein (p.Gly1188Arg). This variant is present in population databases (rs375962448, gnomAD 0.007%). This variant has not been reported in the literature in individuals affected with IMPG2-related conditions. Algorithms developed to predict the effect of missense changes on protein structure and function output the following: SIFT: "Tolerated"; PolyPhen-2: "Benign"; Align-GVGD: "Class C0". The arginine amino acid residue is found in multiple mammalian species, which suggests that this missense change does not adversely affect protein function.

NM_016247.4(IMPG2):c.3562G>A (p.Gly1188Arg)

Gene: IMPG2 (interphotoreceptor matrix proteoglycan 2; minus strand). Cytogenetic location: 3q12.3.
Variant type: single nucleotide variant.
Coding change: c.3562G>A on transcript NM_016247.4 (MANE Select); coding-DNA position 3562, G replaced by A.
Protein change: p.Gly1188Arg; replaces glycine 1188 with arginine.
Molecular consequence: missense variant.
Genome position (GRCh38, 1-based): chr3:101,229,451, C>T on the plus strand (G>A on the coding strand, the complement: IMPG2 is on the minus strand). VCF-style: chr3-101229451-C-T. GRCh37 (hg19) VCF-style: chr3-100948295-C-T.
Other names: short protein forms G1188R.
Identifiers: ClinVar variation 1967379 (VCV001967379.5), dbSNP rs375962448, ClinGen allele CA2518725.